The following is an entry in ClinVar:

ClinVar aggregate classification (germline): Pathogenic (1 of 4 stars; one submission).

Conditions:
Senior-Loken syndrome 8 (SLSN8). Identifiers: Orphanet 3156, MedGen C4225376, MONDO:0014579, OMIM 616307.
Asphyxiating thoracic dystrophy 5 (SRTD5). Also called: SHORT-RIB THORACIC DYSPLASIA 5 WITH OR WITHOUT POLYDACTYLY; SHORT-RIB THORACIC DYSPLASIA 5 WITHOUT POLYDACTYLY. Identifiers: Orphanet 474, MedGen C3280598, MONDO:0013717, OMIM 614376.

Submission:

Labcorp Genetics (formerly Invitae), Labcorp
Classification: Pathogenic for Senior-Loken syndrome 8; Asphyxiating thoracic dystrophy 5. Last evaluated: 2025-03-29. Review status: criteria provided, single submitter. Criteria: Invitae Variant Classification Sherloc (09022015). Collection method: clinical testing. Allele origin: germline.
Comment: This sequence change creates a premature translational stop signal (p.Trp21Ilefs*11) in the WDR19 gene. It is expected to result in an absent or disrupted protein product. Loss-of-function variants in WDR19 are known to be pathogenic (PMID: 22019273, 23559409, 23683095, 26275793, 27241786, 29068549). This variant is not present in population databases (gnomAD no frequency). This variant has not been reported in the literature in individuals affected with WDR19-related conditions. For these reasons, this variant has been classified as Pathogenic.

Literature cited by the submitters: PubMed 22019273; PubMed 23559409; PubMed 23683095; PubMed 26275793; PubMed 27241786; PubMed 29068549.

NM_025132.4(WDR19):c.61_71del (p.Trp21fs)

Gene: WDR19 (WD repeat domain 19; plus strand). Cytogenetic location: 4p14.
Variant type: Deletion.
Coding change: c.61_71del on transcript NM_025132.4 (MANE Select); coding-DNA positions 61 to 71, 11 bases deleted (TGGCAAAAAAC).
Protein change: p.Trp21fs; shifts the reading frame from tryptophan 21.
Molecular consequence: frameshift variant. On other transcripts: 5 prime UTR variant (1).
Genome position (GRCh38, 1-based): chr4:39,185,780-39,185,790, TGGCAAAAAAC deleted; deleting any 11 consecutive bases within chr4:39,185,779-39,185,790 gives the same sequence; the c. name uses the placement nearest the transcript's 3' end. VCF-style (leftmost placement, unchanged base first): chr4-39185778-CCTGGCAAAAAA-C. GRCh37 (hg19) VCF-style: chr4-39187398-CCTGGCAAAAAA-C.
Other names: c.-304_-294del (NM_001317924.2); short protein forms W21fs.
Identifiers: ClinVar variation 4784017 (VCV004784017.1).
Genomic context (GRCh38, chr4:39,185,778, plus strand): 5'-TTTTTTAGCGTATTTTCTCACTGCTAGAAAAGACTTGGCTTGGCGCACCAATACAGTTTG[CCTGGCAAAAAA>C]CATCAGGAAACTACCTTGCAGTAACAGGGTAAGAAACCAATGAATGTTTTAAGCAGTGGT-3'